The following is an entry in ClinVar:

ClinVar aggregate classification (germline): Pathogenic (1 of 4 stars; one submission).

Conditions:
Joubert syndrome 23 (JBTS23). Identifiers: Orphanet 475, MedGen C4084822, MONDO:0014664, OMIM 616490.
Short-rib thoracic dysplasia 14 with polydactyly (SRTD14). Identifiers: Orphanet 397715, MedGen C4225286, MONDO:0014688, OMIM 616546.

Submission:

Labcorp Genetics (formerly Invitae), Labcorp
Classification: Pathogenic for Joubert syndrome 23; Short-rib thoracic dysplasia 14 with polydactyly. Last evaluated: 2023-04-07. Review status: criteria provided, single submitter. Criteria: Invitae Variant Classification Sherloc (09022015). Collection method: clinical testing. Allele origin: germline.
Comment: For these reasons, this variant has been classified as Pathogenic. This variant has not been reported in the literature in individuals affected with KIAA0586-related conditions. This variant is a gross deletion of the genomic region encompassing exon(s) 20-21 of the KIAA0586 gene. This deletion is out-of-frame, and is expected to create a premature termination codon and result in an absent or disrupted protein product. Loss-of-function variants in KIAA0586 are known to be pathogenic (PMID: 26096313, 26166481, 26386044).

Literature cited by the submitters: PubMed 26096313; PubMed 26166481; PubMed 26386044.

NC_000014.8:g.(?_58938897)_(58941535_?)del

Gene: KIAA0586 (KIAA0586; plus strand). Cytogenetic location: 14q23.1.
Variant type: Deletion.
Identifiers: ClinVar variation 2424013 (VCV002424013.4).